The following is an entry in ClinVar:

ClinVar aggregate classification (germline): Benign/Likely benign. Review status: criteria provided, multiple submitters, no conflicts (2 of 4 stars). 3 submissions from 3 submitters: Benign (1); Likely benign (2). Last evaluated 2026-08-03.

Conditions:
Familial colorectal cancer type X. Identifiers: Orphanet 440437, MedGen C3896578, MONDO:0018604.

Allele frequency attached by ClinVar (database versions not stated): gnomAD exomes below 0.00001.
gnomAD v4.1: 1 of 1,613,850 alleles (0.000062%); highest among the groups gnomAD compares: Non-Finnish European, 0.000085%; no homozygotes.

Submissions (3):

Myriad Genetics, Inc.
Classification: Benign for Familial colorectal cancer type X. Last evaluated: 2026-08-03. Review status: criteria provided, single submitter. Criteria: Myriad Autosomal Dominant, Autosomal Recessive and X-Linked Classification Criteria (2023). Collection method: clinical testing. Allele origin: unknown.
Comment: This variant is considered benign. This variant is a silent/synonymous amino acid change and it is not expected to impact splicing.

Ambry Genetics
Classification: Likely benign. Last evaluated: 2025-11-06. Review status: criteria provided, single submitter. Criteria: Ambry Variant Classification Scheme 2023. Collection method: clinical testing. Allele origin: germline.

Labcorp Genetics (formerly Invitae), Labcorp
Classification: Likely benign. Last evaluated: 2021-12-27. Review status: criteria provided, single submitter. Criteria: Invitae Variant Classification Sherloc (09022015). Collection method: clinical testing. Allele origin: germline.

NM_001023.4(RPS20):c.54C>T (p.His18=)

Gene: RPS20 (ribosomal protein S20; minus strand). Cytogenetic location: 8q12.1.
Variant type: single nucleotide variant.
Coding change: c.54C>T on transcript NM_001023.4 (MANE Select); coding-DNA position 54, C replaced by T.
Protein change: p.His18=; no amino-acid change (histidine 18 retained).
Molecular consequence: synonymous variant.
Genome position (GRCh38, 1-based): chr8:56,074,109, G>A on the plus strand (C>T on the coding strand, the complement: RPS20 is on the minus strand). VCF-style: chr8-56074109-G-A. GRCh37 (hg19) VCF-style: chr8-56986668-G-A.
Other names: c.54C>T, p.His18= (NM_001146227.3); c.54C>T (NM_001023.3).
Identifiers: ClinVar variation 1974890 (VCV001974890.7), dbSNP rs2486985451, ClinGen allele CA461101634.